The following is an entry in ClinVar:

NM_032043.3(BRIP1):c.1402T>A (p.Trp468Arg)

Gene: BRIP1 (BRCA1 interacting DNA helicase 1; minus strand). Cytogenetic location: 17q23.2.
Variant type: single nucleotide variant.
Coding change: c.1402T>A on transcript NM_032043.3 (MANE Select); coding-DNA position 1402, T replaced by A.
Protein change: p.Trp468Arg; replaces tryptophan 468 with arginine.
Molecular consequence: missense variant.
Genome position (GRCh38, 1-based): chr17:61,793,668, A>T on the plus strand (T>A on the coding strand, the complement: BRIP1 is on the minus strand). VCF-style: chr17-61793668-A-T. GRCh37 (hg19) VCF-style: chr17-59871029-A-T.
Other names: short protein forms W468R.
Identifiers: ClinVar variation 3893940 (VCV003893940.1).

ClinVar aggregate classification (germline): Uncertain significance (1 of 4 stars; one submission).

Conditions:
Hereditary cancer-predisposing syndrome. Also called: Neoplastic Syndromes, Hereditary; Tumor predisposition; Hereditary Cancer Syndrome; Hereditary neoplastic syndrome. Identifiers: Orphanet 140162, MedGen C0027672, MeSH D009386, MONDO:0015356.

Submission:

Color Diagnostics, LLC DBA Color Health
Classification: Uncertain significance for Hereditary cancer-predisposing syndrome. Last evaluated: 2024-06-12. Review status: criteria provided, single submitter. Criteria: ACMG Guidelines, 2015. Collection method: clinical testing. Allele origin: germline.
Comment: This missense variant replaces tryptophan with arginine at codon 468 of the BRIP1 protein. Computational prediction suggests that this variant may have deleterious impact on protein structure and function (internally defined REVEL score threshold >= 0.7, PMID: 27666373). To our knowledge, functional studies have not been reported for this variant. This variant has not been reported in individuals affected with BRIP1-related disorders in the literature. This variant has not been identified in the general population by the Genome Aggregation Database (gnomAD). The available evidence is insufficient to determine the role of this variant in disease conclusively. Therefore, this variant is classified as a Variant of Uncertain Significance.